The following is an entry in ClinVar:

NM_004991.4(MECOM):c.403T>G (p.Phe135Val)

Gene: MECOM (MDS1 and EVI1 complex locus; minus strand). Cytogenetic location: 3q26.2.
Variant type: single nucleotide variant.
Coding change: c.403T>G on transcript NM_004991.4 (MANE Select); coding-DNA position 403, T replaced by G.
Protein change: p.Phe135Val; replaces phenylalanine 135 with valine.
Molecular consequence: missense variant. On other transcripts: 5 prime UTR variant (12).
Genome position (GRCh38, 1-based): chr3:169,143,805, A>C on the plus strand (T>G on the coding strand, the complement: MECOM is on the minus strand). VCF-style: chr3-169143805-A-C. GRCh37 (hg19) VCF-style: chr3-168861593-A-C.
Other names: c.31T>G, p.Phe11Val (NM_001105077.4); c.-162T>G (NM_001105078.4, NM_001163999.2, NM_001164000.2 and 9 more transcripts); c.403T>G, p.Phe135Val (NM_001366466.2, NM_001366473.2); short protein forms F135V, F11V.
Identifiers: ClinVar variation 4053092 (VCV004053092.1).

ClinVar aggregate classification (germline): Uncertain significance (1 of 4 stars; one submission).

Conditions:
Inborn genetic diseases. Identifiers: MedGen C0950123, MeSH D030342.

gnomAD v4.1: 1 of 1,608,200 alleles (0.000062%); highest among the groups gnomAD compares: African/African-American, 0.0013%; no homozygotes.

Submission:

Ambry Genetics
Classification: Uncertain significance for Inborn genetic diseases. Last evaluated: 2025-03-22. Review status: criteria provided, single submitter. Criteria: Ambry Variant Classification Scheme 2023. Collection method: clinical testing. Allele origin: germline.
Comment: The p.F135V variant (also known as c.403T>G), located in coding exon 3 of the MECOM gene, results from a T to G substitution at nucleotide position 403. The phenylalanine at codon 135 is replaced by valine, an amino acid with highly similar properties. This amino acid position is conserved. In addition, this alteration is predicted to be tolerated by in silico analysis. Based on the available evidence, the clinical significance of this variant remains unclear.